The following is an entry in ClinVar:

NM_198282.4(STING1):c.289G>A (p.Ala97Thr)

Genes: STING1 (stimulator of interferon response cGAMP interactor 1; minus strand), LOC123522803 (Sharpr-MPRA regulatory region 11914; plus strand). Cytogenetic location: 5q31.2.
Variant type: single nucleotide variant.
Coding change: c.289G>A on transcript NM_198282.4 (MANE Select); coding-DNA position 289, G replaced by A.
Protein change: p.Ala97Thr; replaces alanine 97 with threonine.
Molecular consequence: missense variant. On other transcripts: 5 prime UTR variant (1).
Genome position (GRCh38, 1-based): chr5:139,481,281, C>T on the plus strand (G>A on the coding strand, the complement: STING1 is on the minus strand). VCF-style: chr5-139481281-C-T. GRCh37 (hg19) VCF-style: chr5-138860866-C-T.
Other names: c.289G>A, p.Ala97Thr (LRG_1308t1, NM_001301738.2); c.-69G>A (NM_001367258.1); c.289G>A (NM_198282.2); short protein forms A97T.
Identifiers: ClinVar variation 624065 (VCV000624065.57), dbSNP rs181566154, ClinGen allele CA3435450.

ClinVar aggregate classification (germline): Conflicting classifications of pathogenicity. Review status: criteria provided, conflicting classifications (1 of 4 stars). 7 submissions from 7 submitters: Uncertain significance (3); Likely benign (4). Last evaluated 2026-02-12.

Conditions:
STING-associated vasculopathy with onset in infancy. Also called: Sting-associated vasculopathy, infantile-onset. Identifiers: Orphanet 425120, MedGen C4014722, MONDO:0014405, OMIM 615934.
Autoinflammatory syndrome. Identifiers: Orphanet 93665, MedGen C3890737, MONDO:0019751.
Inborn genetic diseases. Identifiers: MedGen C0950123, MeSH D030342.

Allele frequency attached by ClinVar (database versions not stated): gnomAD exomes 0.00015 and 0.00033; ExAC 0.00016; TOPMed 0.00019; gnomAD 0.00025; 1000 Genomes Project 0.00040; 1000 Genomes Project 30x 0.00047.
gnomAD v4.1: 518 of 1,613,320 alleles (0.032%); highest among the groups gnomAD compares: Middle Eastern, 0.15%; 1 homozygote.

Submissions (7):

Women's Health and Genetics/Laboratory Corporation of America, LabCorp
Classification: Likely benign. Last evaluated: 2026-02-12. Review status: criteria provided, single submitter. Criteria: LabCorp Variant Classification Summary - May 2015. Collection method: clinical testing. Allele origin: germline.
Comment: Variant summary: STING1 c.289G>A (p.Ala97Thr) results in a non-conservative amino acid change in the encoded protein sequence. Algorithms developed to predict the effect of missense changes on protein structure and function are either unavailable or do not agree on the potential impact of this missense change. The variant allele was found at a frequency of 0.00015 in 249490 control chromosomes. The observed variant frequency exceeds the estimated maximal expected allele frequency for disease-causing variants in STING1. To our knowledge, no occurrence of c.289G>A in individuals affected with STING1-related conditions and no experimental evidence demonstrating its impact on protein function have been reported. ClinVar contains an entry for this variant (Variation ID: 624065). Based on the evidence outlined above, the variant was classified as likely benign.

Labcorp Genetics (formerly Invitae), Labcorp
Classification: Uncertain significance for STING-associated vasculopathy with onset in infancy. Last evaluated: 2026-01-20. Review status: criteria provided, single submitter. Criteria: Invitae Variant Classification Sherloc (09022015). Collection method: clinical testing. Allele origin: germline.
Comment: This sequence change replaces alanine, which is neutral and non-polar, with threonine, which is neutral and polar, at codon 97 of the TMEM173 protein (p.Ala97Thr). This variant is present in population databases (rs181566154, gnomAD 0.03%). This variant has not been reported in the literature in individuals affected with TMEM173-related conditions. ClinVar contains an entry for this variant (Variation ID: 624065). Invitae Evidence Modeling of protein sequence and biophysical properties (such as structural, functional, and spatial information, amino acid conservation, physicochemical variation, residue mobility, and thermodynamic stability) indicates that this missense variant is not expected to disrupt TMEM173 protein function with a negative predictive value of 80%. In summary, the available evidence is currently insufficient to determine the role of this variant in disease. Therefore, it has been classified as a Variant of Uncertain Significance.

Blueprint Genetics
Classification: Likely benign. Last evaluated: 2024-11-25. Review status: criteria provided, single submitter. Criteria: ACMG Guidelines, 2015. Collection method: clinical testing. Allele origin: germline.

CeGaT Center for Human Genetics Tuebingen
Classification: Likely benign. Last evaluated: 2022-05-01. Review status: criteria provided, single submitter. Criteria: CeGaT Center For Human Genetics Tuebingen Variant Classification Criteria Version 2. Collection method: clinical testing. Allele origin: germline. Affected: yes. Observed: 2 variant alleles.
Comment: STING1: BP4, BS1

Ambry Genetics
Classification: Likely benign for Inborn genetic diseases. Last evaluated: 2022-01-31. Review status: criteria provided, single submitter. Criteria: Ambry Variant Classification Scheme 2023. Collection method: clinical testing. Allele origin: germline.

Dubai Health Genomic Medicine Center, Dubai Health
Classification: Uncertain significance for STING-associated vasculopathy with onset in infancy. Last evaluated: 2020-11-23. Review status: criteria provided, single submitter. Criteria: ACMG Guidelines, 2015. Collection method: clinical testing. Allele origin: germline. Affected: yes.

Genome Diagnostics Laboratory, The Hospital for Sick Children
Classification: Uncertain significance for Autoinflammatory syndrome. Last evaluated: 2019-05-01. Review status: criteria provided, single submitter. Criteria: ACMG Guidelines, 2015. Collection method: clinical testing. Allele origin: germline. Affected: yes.